The following is an entry in ClinVar:

NM_020911.2(PLXNA4):c.2098-5C>T

Gene: PLXNA4 (plexin A4; minus strand). Cytogenetic location: 7q32.3.
Variant type: single nucleotide variant.
Coding change: c.2098-5C>T on transcript NM_020911.2 (MANE Select); 5 bases into the intron before coding-DNA position 2098, C replaced by T.
Molecular consequence: intron variant.
Genome position (GRCh38, 1-based): chr7:132,211,148, G>A on the plus strand (C>T on the coding strand, the complement: PLXNA4 is on the minus strand). VCF-style: chr7-132211148-G-A. GRCh37 (hg19) VCF-style: chr7-131895907-G-A.
Other names: c.2098-5C>T (NM_001393897.1).
Identifiers: ClinVar variation 5000286 (VCV005000286.1).

ClinVar aggregate classification (germline): Likely benign (1 of 4 stars; one submission).

Conditions:
PLXNA4-related disorder. Also called: PLXNA4-related condition.

gnomAD v4.1: 7 of 1,553,996 alleles (0.00045%); highest among the groups gnomAD compares: East Asian, 0.0097%; no homozygotes.

Submission:

PreventionGenetics, part of Exact Sciences
Classification: Likely benign for PLXNA4-related condition. Last evaluated: 2026-09-10. Review status: criteria provided, single submitter. Criteria: ACMG Guidelines, 2015. Collection method: clinical testing. Allele origin: germline.
Comment: This variant is classified as likely benign based on ACMG/AMP sequence variant interpretation guidelines (Richards et al. 2015 PMID: 25741868, with internal and published modifications).